The following is an entry in ClinVar:

NM_021614.4(KCNN2):c.747dup (p.Ala250fs)

Gene: KCNN2 (potassium calcium-activated channel subfamily N member 2; plus strand). Cytogenetic location: 5q22.3.
Variant type: Duplication.
Coding change: c.747dup on transcript NM_021614.4 (MANE Select); coding-DNA position 747, one base duplicated (C; older notation c.747dupC).
Protein change: p.Ala250fs; shifts the reading frame from alanine 250.
Molecular consequence: frameshift variant. On other transcripts: non-coding transcript variant (1).
Genome position (GRCh38, 1-based): chr5:114,362,886, C duplicated; the last of 6 consecutive C bases (chr5:114,362,881-114,362,886); duplicating any one gives the same sequence. VCF-style (leftmost placement, unchanged base first): chr5-114362880-G-GC. GRCh37 (hg19) VCF-style: chr5-113698577-G-GC.
Other names: c.945dup, p.Ala316fs (NM_001372233.1); short protein forms A250fs, A316fs.
Identifiers: ClinVar variation 3365295 (VCV003365295.1).

ClinVar aggregate classification (germline): Uncertain significance (1 of 4 stars; one submission).

Submission:

GeneDx
Classification: Uncertain significance. Last evaluated: 2023-12-08. Review status: criteria provided, single submitter. Criteria: GeneDx Variant Classification Process June 2021. Collection method: clinical testing. Allele origin: germline. Affected: yes.
Comment: Frameshift variant predicted to result in protein truncation or nonsense mediated decay in a gene for which loss of function is a known mechanism of disease; Has not been previously published as pathogenic or benign to our knowledge